The following is an entry in ClinVar:

ClinVar aggregate classification (germline): Uncertain significance (1 of 4 stars; one submission).

Allele frequency attached by ClinVar (database versions not stated): TOPMed 0.00001.
gnomAD v4.1: 8 of 1,536,156 alleles (0.00052%); highest among the groups gnomAD compares: African/African-American, 0.0082%; no homozygotes.

Submission:

Labcorp Genetics (formerly Invitae), Labcorp
Classification: Uncertain significance. Last evaluated: 2022-12-18. Review status: criteria provided, single submitter. Criteria: Invitae Variant Classification Sherloc (09022015). Collection method: clinical testing. Allele origin: germline.
Comment: In summary, the available evidence is currently insufficient to determine the role of this variant in disease. Therefore, it has been classified as a Variant of Uncertain Significance. Experimental studies and prediction algorithms are not available or were not evaluated, and the functional significance of this variant is currently unknown. This variant has not been reported in the literature in individuals affected with FMN1-related conditions. This variant is present in population databases (no rsID available, gnomAD 0.004%). This sequence change replaces tyrosine, which is neutral and polar, with histidine, which is basic and polar, at codon 34 of the FMN1 protein (p.Tyr34His). The FMN1 gene has multiple clinically relevant transcripts. This variant occurs in alternate transcript NM_001277314.1, and corresponds to NM_001103184.3:c.-86931T>C in the primary transcript.

NM_001277313.2(FMN1):c.100T>C (p.Tyr34His)

Gene: FMN1 (formin 1; minus strand). Cytogenetic location: 15q13.3.
Variant type: single nucleotide variant.
Coding change: c.100T>C on transcript NM_001277313.2 (MANE Select); coding-DNA position 100, T replaced by C.
Protein change: p.Tyr34His; replaces tyrosine 34 with histidine.
Molecular consequence: missense variant.
Genome position (GRCh38, 1-based): chr15:33,154,815, A>G on the plus strand (T>C on the coding strand, the complement: FMN1 is on the minus strand). VCF-style: chr15-33154815-A-G. GRCh37 (hg19) VCF-style: chr15-33447016-A-G.
Other names: c.100T>C, p.Tyr34His (NM_001277314.2); short protein forms Y34H.
Identifiers: ClinVar variation 2881838 (VCV002881838.3), dbSNP rs966123208, ClinGen allele CA268812724.